The following is an entry in ClinVar:

NM_002361.4(MAG):c.1295G>A (p.Cys432Tyr)

Gene: MAG (myelin associated glycoprotein; plus strand). Cytogenetic location: 19q13.12.
Variant type: single nucleotide variant.
Coding change: c.1295G>A on transcript NM_002361.4 (MANE Select); coding-DNA position 1295, G replaced by A.
Protein change: p.Cys432Tyr; replaces cysteine 432 with tyrosine.
Molecular consequence: missense variant.
Genome position (GRCh38, 1-based): chr19:35,309,937, G>A. VCF-style: chr19-35309937-G-A. GRCh37 (hg19) VCF-style: chr19-35800840-G-A.
Other names: c.1220G>A, p.Cys407Tyr (NM_001199216.2); c.1295G>A, p.Cys432Tyr (NM_080600.3); short protein forms C407Y, C432Y.
Identifiers: ClinVar variation 3896907 (VCV003896907.1).

ClinVar aggregate classification (germline): Uncertain significance (1 of 4 stars; one submission).

Conditions:
Hereditary spastic paraplegia 75. Also called: Spastic paraplegia 75, autosomal recessive. Identifiers: Orphanet 459056, MedGen C4225250, MONDO:0014729, OMIM 616680.

Submission:

Kariminejad - Najmabadi Pathology & Genetics Center
Classification: Uncertain significance for Hereditary spastic paraplegia 75. Last evaluated: 2024-05-20. Review status: criteria provided, single submitter. Criteria: ACMG Guidelines, 2015. Collection method: clinical testing. Allele origin: germline. Inheritance: Autosomal recessive inheritance. Affected: yes.
Comment: PM2-PP3